The following is an entry in ClinVar:

NM_001365276.2(TNXB):c.9688T>A (p.Tyr3230Asn)

Gene: TNXB (tenascin XB; minus strand). Cytogenetic location: 6p21.33.
Variant type: single nucleotide variant.
Coding change: c.9688T>A on transcript NM_001365276.2 (MANE Select); coding-DNA position 9688, T replaced by A.
Protein change: p.Tyr3230Asn; replaces tyrosine 3230 with asparagine.
Molecular consequence: missense variant.
Genome position (GRCh38, 1-based): chr6:32,049,339, A>T on the plus strand (T>A on the coding strand, the complement: TNXB is on the minus strand). VCF-style: chr6-32049339-A-T. GRCh37 (hg19) VCF-style: chr6-32017116-A-T.
Other names: c.10429T>A, p.Tyr3477Asn (NM_001428335.1); c.9682T>A, p.Tyr3228Asn (NM_019105.8); short protein forms Y3228N, Y3230N, Y3477N.
Identifiers: ClinVar variation 4865826 (VCV004865826.1).
Genomic context (GRCh38, chr6:32,049,339, plus strand): 5'-CCACGGTGGACACTGGGCCCACGCGCTGCCCCTCGTGGAGGCCGTACAGATGCATCTTGT[A>T]TTTGCGCCCGGGCTCCAGGCCCCCCACGGTGACCTCGCTCTCCTCGCCCCTGACACGCAC-3'
Protein context (NP_001352205.1, residues 3220-3240): TVGGLEPGRK[Tyr3230Asn]KMHLYGLHEG

ClinVar aggregate classification (germline): Uncertain significance (1 of 4 stars; one submission).

Conditions:
Cardiovascular phenotype. Identifiers: MedGen CN230736.

gnomAD v4.1: 25 of 1,612,424 alleles (0.0016%); highest among the groups gnomAD compares: Non-Finnish European, 0.002%; no homozygotes.

Submission:

Ambry Genetics
Classification: Uncertain significance for Cardiovascular phenotype. Last evaluated: 2026-05-03. Review status: criteria provided, single submitter. Criteria: Ambry Variant Classification Scheme 2023. Collection method: clinical testing. Allele origin: germline.
Comment: The p.Y3228N variant (also known as c.9682T>A), located in coding exon 27 of the TNXB gene, results from a T to A substitution at nucleotide position 9682. The tyrosine at codon 3228 is replaced by asparagine, an amino acid with dissimilar properties. This amino acid position is conserved. In addition, this alteration is predicted to be deleterious by in silico analysis. Based on the available evidence, the clinical significance of this variant remains unclear.